The following is an entry in ClinVar:

NM_001378615.1(CC2D2A):c.700G>A (p.Gly234Arg)

Genes: CC2D2A (coiled-coil and C2 domain containing 2A; plus strand), FBXL5 (F-box and leucine rich repeat protein 5; minus strand). Cytogenetic location: 4p15.32.
Variant type: single nucleotide variant.
Coding change: c.700G>A on transcript NM_001378615.1 (MANE Select); coding-DNA position 700, G replaced by A.
Protein change: p.Gly234Arg; replaces glycine 234 with arginine.
Molecular consequence: missense variant.
Genome position (GRCh38, 1-based): chr4:15,511,406, G>A. VCF-style: chr4-15511406-G-A. GRCh37 (hg19) VCF-style: chr4-15513029-G-A.
Other names: c.700G>A, p.Gly234Arg (NM_001080522.2); c.553G>A, p.Gly185Arg (NM_001378617.1); short protein forms G185R, G234R.
Identifiers: ClinVar variation 4980882 (VCV004980882.1).

ClinVar aggregate classification (germline): Uncertain significance (1 of 4 stars; one submission).

Conditions:
CC2D2A-related disorder. Also called: CC2D2A-related condition; CC2D2A-related disorders. Identifiers: MedGen CN239313.

gnomAD v4.1: 7 of 1,546,576 alleles (0.00045%); highest among the groups gnomAD compares: East Asian, 0.017%; no homozygotes.

Submission:

PreventionGenetics, part of Exact Sciences
Classification: Uncertain significance for CC2D2A-related condition. Last evaluated: 2026-04-09. Review status: criteria provided, single submitter. Criteria: ACMG Guidelines, 2015. Collection method: clinical testing. Allele origin: germline.
Comment: The CC2D2A c.700G>A variant is predicted to result in the amino acid substitution p.Gly234Arg. To our knowledge, this variant has not been reported in the literature. This variant is reported in 0.022% of alleles in individuals of East Asian descent in gnomAD. At this time, the clinical significance of this variant is uncertain due to the absence of conclusive functional and genetic evidence.